The following is an entry in ClinVar:

ClinVar aggregate classification (germline): Uncertain significance (1 of 4 stars; one submission).

Conditions:
Duchenne muscular dystrophy (DMD). Also called: MUSCULAR DYSTROPHY, PSEUDOHYPERTROPHIC PROGRESSIVE, DUCHENNE TYPE; Duchenne Muscular Dystrophy (DMD). Identifiers: Orphanet 98896, MedGen C0013264, MONDO:0010679, OMIM 310200.

Submission:

Labcorp Genetics (formerly Invitae), Labcorp
Classification: Uncertain significance for Duchenne muscular dystrophy. Last evaluated: 2022-01-21. Review status: criteria provided, single submitter. Criteria: Invitae Variant Classification Sherloc (09022015). Collection method: clinical testing. Allele origin: germline.
Comment: This sequence change replaces serine, which is neutral and polar, with isoleucine, which is neutral and non-polar, at codon 894 of the DMD protein (p.Ser894Ile). This variant is not present in population databases (gnomAD no frequency). This variant has not been reported in the literature in individuals affected with DMD-related conditions. Algorithms developed to predict the effect of missense changes on protein structure and function are either unavailable or do not agree on the potential impact of this missense change (SIFT: "Deleterious"; PolyPhen-2: "Possibly Damaging"; Align-GVGD: "Class C0"). In summary, the available evidence is currently insufficient to determine the role of this variant in disease. Therefore, it has been classified as a Variant of Uncertain Significance.

NM_004006.3(DMD):c.2681G>T (p.Ser894Ile)

Gene: DMD (dystrophin; minus strand). Cytogenetic location: Xp21.1.
Variant type: single nucleotide variant.
Coding change: c.2681G>T on transcript NM_004006.3 (MANE Select); coding-DNA position 2681, G replaced by T.
Protein change: p.Ser894Ile; replaces serine 894 with isoleucine.
Molecular consequence: missense variant.
Genome position (GRCh38, 1-based): chrX:32,485,041, C>A on the plus strand (G>T on the coding strand, the complement: DMD is on the minus strand). VCF-style: chrX-32485041-C-A. GRCh37 (hg19) VCF-style: chrX-32503158-C-A.
Other names: c.2657G>T, p.Ser886Ile (NM_000109.4); c.2669G>T, p.Ser890Ile (NM_004009.3); c.2312G>T, p.Ser771Ile (NM_004010.3); short protein forms S890I, S894I, S771I, S886I.
Identifiers: ClinVar variation 2088559 (VCV002088559.4), dbSNP rs2148583949, ClinGen allele CA412670935.